The following is an entry in ClinVar:

NM_015450.3(POT1):c.611A>C (p.Glu204Ala)

Gene: POT1 (protection of telomeres 1; minus strand). Cytogenetic location: 7q31.33.
Variant type: single nucleotide variant.
Coding change: c.611A>C on transcript NM_015450.3 (MANE Select); coding-DNA position 611, A replaced by C.
Protein change: p.Glu204Ala; replaces glutamic acid 204 with alanine.
Molecular consequence: missense variant. On other transcripts: non-coding transcript variant (3).
Genome position (GRCh38, 1-based): chr7:124,859,048, T>G on the plus strand (A>C on the coding strand, the complement: POT1 is on the minus strand). VCF-style: chr7-124859048-T-G. GRCh37 (hg19) VCF-style: chr7-124499102-T-G.
Other names: c.218A>C, p.Glu73Ala (NM_001042594.2); short protein forms E204A, E73A.
Identifiers: ClinVar variation 3226683 (VCV003226683.1), dbSNP rs2485463664, ClinGen allele CA369056529.
Genomic context (GRCh38, chr7:124,859,048, plus strand): 5'-TCGTAGACTAAAATGTCTATTGTCAGATTTTGTAGCCGATGGATGTGACTTAAATCACCT[T>G]CAAGAACAAGGTCTTGTATTAAGACTCTCCAAGATGGAAATGGTGTCCTGGTGCCATCCC-3'
Protein context (NP_056265.2, residues 194-214): WRVLIQDLVL[Glu204Ala]GDLSHIHRLQ

ClinVar aggregate classification (germline): Uncertain significance (1 of 4 stars; one submission).

Conditions:
Hereditary cancer-predisposing syndrome. Also called: Neoplastic Syndromes, Hereditary; Tumor predisposition; Hereditary neoplastic syndrome; Hereditary Cancer Syndrome. Identifiers: Orphanet 140162, MedGen C0027672, MeSH D009386, MONDO:0015356.

Submission:

Ambry Genetics
Classification: Uncertain significance for Hereditary cancer-predisposing syndrome. Last evaluated: 2023-03-03. Review status: criteria provided, single submitter. Criteria: Ambry Variant Classification Scheme 2023. Collection method: clinical testing. Allele origin: germline.
Comment: The p.E204A variant (also known as c.611A>C), located in coding exon 5 of the POT1 gene, results from an A to C substitution at nucleotide position 611. The glutamic acid at codon 204 is replaced by alanine, an amino acid with dissimilar properties. This amino acid position is conserved. In addition, this alteration is predicted to be tolerated by in silico analysis. Since supporting evidence is limited at this time, the clinical significance of this alteration remains unclear.